The following is an entry in ClinVar:

NM_000455.5(STK11):c.434A>C (p.Glu145Ala)

Gene: STK11 (serine/threonine kinase 11; plus strand). Cytogenetic location: 19p13.3.
Variant type: single nucleotide variant.
Coding change: c.434A>C on transcript NM_000455.5 (MANE Select); coding-DNA position 434, A replaced by C.
Protein change: p.Glu145Ala; replaces glutamic acid 145 with alanine.
Molecular consequence: missense variant.
Genome position (GRCh38, 1-based): chr19:1,219,383, A>C. VCF-style: chr19-1219383-A-C. GRCh37 (hg19) VCF-style: chr19-1219382-A-C.
Other names: short protein forms E145A.
Identifiers: ClinVar variation 418677 (VCV000418677.2), dbSNP rs369764220, ClinGen allele CA16620746.

ClinVar aggregate classification (germline): Uncertain significance (1 of 4 stars; one submission).

Submission:

GeneDx
Classification: Uncertain significance. Last evaluated: 2015-03-09. Review status: criteria provided, single submitter. Criteria: GeneDx Variant Classification (06012015). Collection method: clinical testing. Allele origin: germline. Affected: yes.
Comment: This variant is denoted STK11 c.434A>C at the cDNA level, p.Glu145Ala (E145A) at the protein level, and results in the change of a Glutamic Acid to an Alanine (GAG>GCG). This variant has not, to our knowledge, been published in the literature as pathogenic or benign. STK11 Glu145Ala was not observed in approximately 6,500 individuals of European and African American ancestry in the NHLBI Exome Sequencing Project, indicating it is not a common benign variant in these populations. Since Glutamic Acid and Alanine differ in polarity, charge, size or other properties, this is considered a non-conservative amino acid substitution. STK11 Glu145Ala occurs at a position that is conserved throughout vertebrates and is located within the protein kinase domain (UniProt). In silico analyses are inconsistent regarding the effect this variant may have on protein structure and function. Based on currently available information, it is unclear whether STK11 Glu145Ala is pathogenic or benign. We consider it to be a variant of uncertain significance.